The following is an entry in ClinVar:

NM_006158.5(NEFL):c.1261C>T (p.Arg421Ter)

Gene: NEFL (neurofilament light chain; minus strand). Cytogenetic location: 8p21.2.
Variant type: single nucleotide variant.
Coding change: c.1261C>T on transcript NM_006158.5 (MANE Select); coding-DNA position 1261, C replaced by T.
Protein change: p.Arg421Ter; replaces arginine 421 with a stop codon.
Molecular consequence: nonsense.
Genome position (GRCh38, 1-based): chr8:24,953,704, G>A on the plus strand (C>T on the coding strand, the complement: NEFL is on the minus strand). VCF-style: chr8-24953704-G-A. GRCh37 (hg19) VCF-style: chr8-24811218-G-A.
Other names: c.1261C>T (NM_006158.3); short protein forms R421*.
Identifiers: ClinVar variation 192322 (VCV000192322.6), dbSNP rs191346286, ClinGen allele CA274856.

ClinVar aggregate classification (germline): Pathogenic. Review status: criteria provided, multiple submitters, no conflicts (2 of 4 stars). 4 submissions from 4 submitters: Pathogenic (3). 1 of the submissions does not count toward it. Last evaluated 2024-07-06.

Conditions:
Charcot-Marie-Tooth disease. Also called: Charcot-Marie-Tooth Neuropathy; Charcot-Marie-Tooth Hereditary Neuropathy. Identifiers: Orphanet 166, MedGen C0007959, MONDO:0015626.
Charcot-Marie-Tooth disease type 2E (CMT2E). Also called: CHARCOT-MARIE-TOOTH DISEASE, AXONAL, TYPE 2E; CHARCOT-MARIE-TOOTH NEUROPATHY, TYPE 2E. Identifiers: Orphanet 99939, MedGen C1843225, MONDO:0011894, OMIM 607684.

gnomAD v4.1: 2 of 1,613,986 alleles (0.00012%); highest among the groups gnomAD compares: Non-Finnish European, 0.00017%; no homozygotes.

Submissions (4):

GeneDx
Classification: Pathogenic. Last evaluated: 2024-07-06. Review status: criteria provided, single submitter. Criteria: GeneDx Variant Classification Process June 2021. Collection method: clinical testing. Allele origin: germline. Affected: yes.
Comment: Not observed at significant frequency in large population cohorts (gnomAD); Nonsense variant predicted to result in protein truncation or nonsense mediated decay in a gene for which loss of function is a known mechanism of disease; This variant is associated with the following publications: (PMID: 25614874, 38578900, 25264603, 32376792, 31069529)

Labcorp Genetics (formerly Invitae), Labcorp
Classification: Pathogenic for Charcot-Marie-Tooth disease type 2E. Last evaluated: 2023-08-20. Review status: criteria provided, single submitter. Criteria: Invitae Variant Classification Sherloc (09022015). Collection method: clinical testing. Allele origin: germline.
Comment: This sequence change creates a premature translational stop signal (p.Arg421*) in the NEFL gene. It is expected to result in an absent or disrupted protein product. Loss-of-function variants in NEFL are known to be pathogenic (PMID: 19158810, 20039262). This variant is not present in population databases (gnomAD no frequency). This premature translational stop signal has been observed in individual(s) with Charcot-Marie-Tooth disease (PMID: 25614874, 32376792). ClinVar contains an entry for this variant (Variation ID: 192322). For these reasons, this variant has been classified as Pathogenic.

Molecular Genetics Laboratory, London Health Sciences Centre
Classification: Pathogenic for Charcot-Marie-Tooth disease. Review status: criteria provided, single submitter. Criteria: ACMG Guidelines, 2015. Collection method: clinical testing. Allele origin: germline. Affected: yes.

OMIM
Classification: Pathogenic for CHARCOT-MARIE-TOOTH DISEASE, AXONAL, TYPE 2E. Last evaluated: 2014-11-01. Review status: no assertion criteria provided. Collection method: literature only. Allele origin: germline. Not counted in ClinVar's aggregate classification.

Literature cited by the submitters: PubMed 19158810 (cited by Labcorp Genetics (formerly Invitae), Labcorp); PubMed 20039262 (cited by Labcorp Genetics (formerly Invitae), Labcorp); PubMed 25614874 (cited by Labcorp Genetics (formerly Invitae), Labcorp); PubMed 32376792 (cited by Labcorp Genetics (formerly Invitae), Labcorp); PubMed 25264603 (cited by OMIM).